The following is an entry in ClinVar:

NM_000057.4(BLM):c.3991A>G (p.Arg1331Gly)

Gene: BLM (BLM RecQ like helicase; plus strand). Cytogenetic location: 15q26.1.
Variant type: single nucleotide variant.
Coding change: c.3991A>G on transcript NM_000057.4 (MANE Select); coding-DNA position 3991, A replaced by G.
Protein change: p.Arg1331Gly; replaces arginine 1331 with glycine.
Molecular consequence: missense variant.
Genome position (GRCh38, 1-based): chr15:90,811,321, A>G. VCF-style: chr15-90811321-A-G. GRCh37 (hg19) VCF-style: chr15-91354551-A-G.
Other names: p.R1331G:AGA>GGA; c.3991A>G, p.Arg1331Gly (NM_001287246.2); c.3598A>G, p.Arg1200Gly (NM_001287247.2); c.2866A>G, p.Arg956Gly (NM_001287248.2); short protein forms R1331G, R956G, R1200G.
Identifiers: ClinVar variation 127507 (VCV000127507.26), dbSNP rs150631940, ClinGen allele CA287124.

ClinVar aggregate classification (germline): Uncertain significance. Review status: criteria provided, multiple submitters, no conflicts (2 of 4 stars). 10 submissions from 10 submitters: Uncertain significance (10). Last evaluated 2026-02-11.

Conditions:
Hereditary cancer-predisposing syndrome. Also called: Hereditary Cancer Syndrome; Hereditary neoplastic syndrome; Tumor predisposition; Neoplastic Syndromes, Hereditary. Identifiers: Orphanet 140162, MedGen C0027672, MeSH D009386, MONDO:0015356.
Bloom syndrome (BLM). Also called: Bloom-Torre-Machacek syndrome. Identifiers: Orphanet 125, MedGen C0005859, MONDO:0008876, OMIM 210900.

Allele frequency attached by ClinVar (database versions not stated): gnomAD exomes below 0.00001 and 0.00002; ExAC 0.00003; gnomAD 0.00010 and 0.00012; TOPMed 0.00010; ESP Exome Variant Server 0.00015; 1000 Genomes Project 30x 0.00016; 1000 Genomes Project 0.00020.
gnomAD v4.1: 28 of 1,614,230 alleles (0.0017%); highest among the groups gnomAD compares: African/African-American, 0.031%; no homozygotes.

Submissions (10):

GeneDx
Classification: Uncertain significance. Last evaluated: 2026-02-11. Review status: criteria provided, single submitter. Criteria: GeneDx Variant Classification Process June 2021. Collection method: clinical testing. Allele origin: germline. Affected: yes.
Comment: Published functional studies suggest no damaging effect: behaves similarly to wild-type in response to a DNA-damaging agent (PMID: 23129629); In silico analysis suggests that this missense variant does not alter protein structure/function; This variant is associated with the following publications: (PMID: 28944238, 35264596, 23129629)

Labcorp Genetics (formerly Invitae), Labcorp
Classification: Uncertain significance for Bloom syndrome. Last evaluated: 2026-02-03. Review status: criteria provided, single submitter. Criteria: Invitae Variant Classification Sherloc (09022015). Collection method: clinical testing. Allele origin: germline.
Comment: This sequence change replaces arginine, which is basic and polar, with glycine, which is neutral and non-polar, at codon 1331 of the BLM protein (p.Arg1331Gly). This variant is present in population databases (rs150631940, gnomAD 0.02%). This missense change has been observed in individual(s) with breast cancer (PMID: 35264596). ClinVar contains an entry for this variant (Variation ID: 127507). Invitae Evidence Modeling of protein sequence and biophysical properties (such as structural, functional, and spatial information, amino acid conservation, physicochemical variation, residue mobility, and thermodynamic stability) indicates that this missense variant is not expected to disrupt BLM protein function with a negative predictive value of 80%. Experimental studies have shown that this missense change does not substantially affect BLM function (PMID: 23129629). In summary, the available evidence is currently insufficient to determine the role of this variant in disease. Therefore, it has been classified as a Variant of Uncertain Significance.

Ambry Genetics
Classification: Uncertain significance for Hereditary cancer-predisposing syndrome. Last evaluated: 2025-09-22. Review status: criteria provided, single submitter. Criteria: Ambry Variant Classification Scheme 2023. Collection method: clinical testing. Allele origin: germline.
Comment: The p.R1331G variant (also known as c.3991A>G), located in coding exon 20 of the BLM gene, results from an A to G substitution at nucleotide position 3991. The arginine at codon 1331 is replaced by glycine, an amino acid with dissimilar properties. In a study using a humanized yeast model, this alteration was found to perform similar to wildtype when exposed to a DNA-damaging agent (Mirzaei H et al. Proc. Natl. Acad. Sci. U.S.A., 2012 Nov;109:19357-62). This alteration was identified in an individual diagnosed with colorectal cancer (DeRycke MS et al. Mol Genet Genomic Med, 2017 Sep;5:553-569). This amino acid position is not well conserved in available vertebrate species. In addition, this alteration is predicted to be tolerated by in silico analysis. Since supporting evidence is limited at this time, the clinical significance of this alteration remains unclear.

Revvity Omics, Revvity
Classification: Uncertain significance for Bloom syndrome. Last evaluated: 2025-03-20. Review status: criteria provided, single submitter. Criteria: ACMG Guidelines, 2015. Collection method: clinical testing. Allele origin: germline.

St. Jude Molecular Pathology, St. Jude Children's Research Hospital
Classification: Uncertain significance for Bloom syndrome. Last evaluated: 2024-04-10. Review status: criteria provided, single submitter. Criteria: St. Jude Assertion Criteria 2020. Collection method: clinical testing. Allele origin: germline.
Comment: The BLM c.3991A>G (p.Arg1331Gly) missense change has a maximum subpopulation frequency of 0.024% in gnomAD v2.1.1. The in silico tool REVEL predicts a benign effect on protein function and functional studies have shown this variant does not impact protein function (PMID: 23129629). This variant has not been reported in individuals with Bloom syndrome. In summary, the evidence currently available is insufficient to determine the clinical significance of this variant. It has therefore been classified as of uncertain significance.

Quest Diagnostics Nichols Institute San Juan Capistrano
Classification: Uncertain significance. Last evaluated: 2024-01-25. Review status: criteria provided, single submitter. Criteria: Quest Diagnostics criteria. Collection method: clinical testing. Allele origin: unknown.
Comment: The BLM c.3991A>G (p.Arg1331Gly) variant has been reported in the published literature in an individual with breast cancer (PMID: 35264596 (2022)) and in an individual with colorectal cancer (PMID: 28944238 (2017)). In a functional study, this variant showed a similar sensitivity to wild type when exposed to a DNA damaging agent (PMID: 23129629)). The frequency of this variant in the general population, 0.00024 (6/24974 chromosomes (Genome Aggregation Database)), is uninformative in the assessment of its pathogenicity. Analysis of this variant using bioinformatics tools for the prediction of the effect of amino acid changes on protein structure and function yielded predictions that this variant is benign. Based on the available information, we are unable to determine the clinical significance of this variant.

Fulgent Genetics
Classification: Uncertain significance for Bloom syndrome. Last evaluated: 2021-11-19. Review status: criteria provided, single submitter. Criteria: ACMG Guidelines, 2015. Collection method: clinical testing. Allele origin: unknown.

Center for Genomics, Ann and Robert H. Lurie Children's Hospital of Chicago
Classification: Uncertain significance for Bloom syndrome. Last evaluated: 2021-03-30. Review status: criteria provided, single submitter. Criteria: ACMG Guidelines, 2015. Collection method: clinical testing. Allele origin: germline.
Comment: BLM NM_000057 exon 21 p.Arg1331Gly (c.3991A>G):This variant has not been reported in the literature but is present in 5/24038 African alleles in the Genome Aggregation Database. This variant is present in ClinVar (Variation ID:127507). Evolutionary conservation and computational predictive tools suggest that this variant may not impact the protein. Functional studies suggest that this variant may not impact the protein (Mirzaei 2012 PMID:231296269). However, these studies may not accurately represent in vivo biological function. In summary, data on this variant is insufficient for disease classification. Therefore, the clinical significance of this variant is uncertain.

Laboratorio de Genetica e Diagnostico Molecular, Hospital Israelita Albert Einstein
Classification: Uncertain significance. Last evaluated: 2020-02-24. Review status: criteria provided, single submitter. Criteria: ACMG Guidelines, 2015. Collection method: clinical testing. Allele origin: germline. Affected: yes.
Comment: ACMG classification criteria: PM2, BP4

Mendelics
Classification: Uncertain significance for Bloom syndrome. Last evaluated: 2018-07-02. Review status: criteria provided, single submitter. Criteria: Mendelics Assertion Criteria 2017. Collection method: clinical testing. Allele origin: unknown.

Literature cited by the submitters: PubMed 35264596 (cited by Labcorp Genetics (formerly Invitae), Labcorp and Quest Diagnostics Nichols Institute San Juan Capistrano); PubMed 23129629 (cited by 3 submitters); PubMed 28944238 (cited by Ambry Genetics and Quest Diagnostics Nichols Institute San Juan Capistrano).